The following is an entry in ClinVar:

NM_000218.3(KCNQ1):c.683+3G>A

Gene: KCNQ1 (potassium voltage-gated channel subfamily Q member 1; plus strand). Cytogenetic location: 11p15.5.
Variant type: single nucleotide variant.
Coding change: c.683+3G>A on transcript NM_000218.3 (MANE Select); 3 bases into the intron after coding-DNA position 683, G replaced by A.
Molecular consequence: intron variant.
Genome position (GRCh38, 1-based): chr11:2,571,406, G>A. VCF-style: chr11-2571406-G-A. GRCh37 (hg19) VCF-style: chr11-2592636-G-A.
Other names: c.413+3G>A (NM_001406837.1); c.683+3G>A (NM_001406836.1); c.478-12029G>A (NM_001406838.1); c.302+3G>A (NM_181798.2).
Identifiers: ClinVar variation 924982 (VCV000924982.11), dbSNP rs1025802726, ClinGen allele CA216310823.

ClinVar aggregate classification (germline): Conflicting classifications of pathogenicity. Review status: criteria provided, conflicting classifications (1 of 4 stars). 4 submissions from 4 submitters: Uncertain significance (2); Likely benign (2). Last evaluated 2023-12-19.

Conditions:
Long QT syndrome (LQTS). Identifiers: MedGen C0023976, MeSH D008133, MONDO:0002442. Disease mechanism: loss of function. Inheritance: Various modes of inheritance.
Cardiac arrhythmia. Also called: Cardiac rhythm disease; Arrhythmia. Identifiers: MedGen C0003811, MONDO:0007263, HP:0011675.
Cardiovascular phenotype. Identifiers: MedGen CN230736.

Allele frequency attached by ClinVar (database versions not stated): gnomAD 0.00003; TOPMed 0.00001; gnomAD exomes 0.00002.
gnomAD v4.1: 26 of 1,609,642 alleles (0.0016%); highest among the groups gnomAD compares: African/African-American, 0.004%; no homozygotes.

Submissions (4):

Labcorp Genetics (formerly Invitae), Labcorp
Classification: Uncertain significance for Long QT syndrome. Last evaluated: 2023-12-19. Review status: criteria provided, single submitter. Criteria: Invitae Variant Classification Sherloc (09022015). Collection method: clinical testing. Allele origin: germline.
Comment: This sequence change falls in intron 4 of the KCNQ1 gene. It does not directly change the encoded amino acid sequence of the KCNQ1 protein. It affects a nucleotide within the consensus splice site. This variant is not present in population databases (gnomAD no frequency). This variant has not been reported in the literature in individuals affected with KCNQ1-related conditions. ClinVar contains an entry for this variant (Variation ID: 924982). Variants that disrupt the consensus splice site are a relatively common cause of aberrant splicing (PMID: 17576681, 9536098). Algorithms developed to predict the effect of sequence changes on RNA splicing suggest that this variant is not likely to affect RNA splicing. In summary, the available evidence is currently insufficient to determine the role of this variant in disease. Therefore, it has been classified as a Variant of Uncertain Significance.

All of Us Research Program, National Institutes of Health
Classification: Likely benign for Long QT syndrome. Last evaluated: 2023-12-18. Review status: criteria provided, single submitter. Criteria: ACMG Guidelines, 2015. Collection method: clinical testing. Allele origin: germline. Inheritance: Autosomal dominant inheritance. Observed: 2 variant alleles, 2 heterozygotes.
Comment: This study involves interpretation of variants in research participants for the purpose of population health screening. Participant phenotype was not available at the time of variant classification. Additional details can be found in publication PMID: 35346344, PMCID: PMC8962531

Ambry Genetics
Classification: Uncertain significance for Cardiovascular phenotype. Last evaluated: 2023-03-23. Review status: criteria provided, single submitter. Criteria: Ambry Variant Classification Scheme 2023. Collection method: clinical testing. Allele origin: germline.
Comment: The c.683+3G>A intronic variant results from a G to A substitution 3 nucleotides after coding exon 4 in the KCNQ1 gene. This nucleotide position is poorly conserved in available vertebrate species. In silico splice site analysis predicts that this alteration will not have any significant effect on splicing. Since supporting evidence is limited at this time, the clinical significance of this alteration remains unclear.

Color Diagnostics, LLC DBA Color Health
Classification: Likely benign for Arrhythmia. Last evaluated: 2018-11-16. Review status: criteria provided, single submitter. Criteria: ACMG Guidelines, 2015. Collection method: clinical testing. Allele origin: germline.

Literature cited by the submitters: PubMed 17576681 (cited by Labcorp Genetics (formerly Invitae), Labcorp); PubMed 9536098 (cited by Labcorp Genetics (formerly Invitae), Labcorp).